The following is an entry in ClinVar:

ClinVar aggregate classification (germline): Uncertain significance (1 of 4 stars; one submission).

Submission:

GeneDx
Classification: Uncertain significance. Last evaluated: 2026-02-24. Review status: criteria provided, single submitter. Criteria: GeneDx Variant Classification Process June 2021. Collection method: clinical testing. Allele origin: germline.
Comment: Not observed at significant frequency in large population cohorts (gnomAD); In silico analysis supports that this missense variant has a deleterious effect on protein structure/function; Has not been previously published as pathogenic or benign to our knowledge

NM_032656.4(DHX37):c.1639G>A (p.Glu547Lys)

Gene: DHX37 (DEAH-box helicase 37; minus strand). Cytogenetic location: 12q24.31.
Variant type: single nucleotide variant.
Coding change: c.1639G>A on transcript NM_032656.4 (MANE Select); coding-DNA position 1639, G replaced by A.
Protein change: p.Glu547Lys; replaces glutamic acid 547 with lysine.
Molecular consequence: missense variant.
Genome position (GRCh38, 1-based): chr12:124,965,764, C>T on the plus strand (G>A on the coding strand, the complement: DHX37 is on the minus strand). VCF-style: chr12-124965764-C-T. GRCh37 (hg19) VCF-style: chr12-125450310-C-T.
Other names: short protein forms E547K.
Identifiers: ClinVar variation 5009958 (VCV005009958.1).